The following is an entry in ClinVar:

NM_000051.4(ATM):c.1210C>T (p.Gln404Ter)

Gene: ATM (ATM serine/threonine kinase; plus strand). Cytogenetic location: 11q22.3.
Variant type: single nucleotide variant.
Coding change: c.1210C>T on transcript NM_000051.4 (MANE Select); coding-DNA position 1210, C replaced by T.
Protein change: p.Gln404Ter; replaces glutamine 404 with a stop codon.
Molecular consequence: nonsense.
Genome position (GRCh38, 1-based): chr11:108,249,077, C>T. VCF-style: chr11-108249077-C-T. GRCh37 (hg19) VCF-style: chr11-108119804-C-T.
Other names: c.1210C>T, p.Gln404Ter (NM_001351834.2); short protein forms Q404*.
Identifiers: ClinVar variation 937319 (VCV000937319.7), dbSNP rs730881340, ClinGen allele CA382532613.
Genomic context (GRCh38, chr11:108,249,077, plus strand): 5'-TGCAAAAGGAAGAAAATAGAACTAGGCTGGGAAGTAATAAAAGATCACCTTCAGAAGTCA[C>T]AGAATGATTTTGATCTTGTGCCTTGGTAAAGTGTTACCATTTTCTCATTCAGTGTCATTT-3'

ClinVar aggregate classification (germline): Pathogenic (1 of 4 stars; one submission).

Conditions:
Ataxia-telangiectasia syndrome (AT). Also called: Cerebello-oculocutaneous telangiectasia; Immunodeficiency with ataxia telangiectasia; LOUIS-BAR SYNDROME; AT, COMPLEMENTATION GROUP C; ATAXIA-TELANGIECTASIA, COMPLEMENTATION GROUP A; ATAXIA-TELANGIECTASIA, FRESNO VARIANT. Identifiers: Orphanet 100, MedGen C0004135, MONDO:0008840, OMIM 208900.

Submission:

Labcorp Genetics (formerly Invitae), Labcorp
Classification: Pathogenic for Ataxia-telangiectasia syndrome. Last evaluated: 2022-05-31. Review status: criteria provided, single submitter. Criteria: Invitae Variant Classification Sherloc (09022015). Collection method: clinical testing. Allele origin: germline.
Comment: This variant has not been reported in the literature in individuals affected with ATM-related conditions. This variant is not present in population databases (gnomAD no frequency). This sequence change creates a premature translational stop signal (p.Gln404*) in the ATM gene. It is expected to result in an absent or disrupted protein product. Loss-of-function variants in ATM are known to be pathogenic (PMID: 23807571, 25614872). ClinVar contains an entry for this variant (Variation ID: 937319). For these reasons, this variant has been classified as Pathogenic. Algorithms developed to predict the effect of sequence changes on RNA splicing suggest that this variant may disrupt the consensus splice site.

Literature cited by the submitters: PubMed 23807571; PubMed 25614872.